The following is an entry in ClinVar:

NM_024649.5(BBS1):c.1147C>T (p.Arg383Trp)

Genes: BBS1 (Bardet-Biedl syndrome 1; plus strand), ZDHHC24 (zDHHC palmitoyltransferase 24; minus strand). Cytogenetic location: 11q13.2.
Variant type: single nucleotide variant.
Coding change: c.1147C>T on transcript NM_024649.5 (MANE Select); coding-DNA position 1147, C replaced by T.
Protein change: p.Arg383Trp; replaces arginine 383 with tryptophan.
Molecular consequence: missense variant. On other transcripts: intron variant (1).
Genome position (GRCh38, 1-based): chr11:66,526,159, C>T. VCF-style: chr11-66526159-C-T. GRCh37 (hg19) VCF-style: chr11-66293630-C-T.
Other names: c.*21+777G>A (NM_001348571.2); short protein forms R383W.
Identifiers: ClinVar variation 387598 (VCV000387598.12), dbSNP rs143495423, ClinGen allele CA6123638.

ClinVar aggregate classification (germline): Conflicting classifications of pathogenicity. Review status: criteria provided, conflicting classifications (1 of 4 stars). 7 submissions from 7 submitters: Likely pathogenic (1); Uncertain significance (4). 2 of the submissions do not count toward it. Last evaluated 2024-03-19.

Conditions:
BBS1-related disorder. Also called: BBS1-related condition.
Bardet-Biedl syndrome (BBS). Identifiers: Orphanet 110, MedGen C0752166, MONDO:0015229.
Bardet-Biedl syndrome 1 (BBS1). Identifiers: MedGen C2936862, MONDO:0008854, OMIM 209900. Disease mechanism: loss of function.

Allele frequency attached by ClinVar (database versions not stated): gnomAD 0.00009 and 0.00001; TOPMed 0.00003; gnomAD exomes 0.00008; 1000 Genomes Project 0.00060; 1000 Genomes Project 30x 0.00047.
gnomAD v4.1: 132 of 1,614,046 alleles (0.0082%); highest among the groups gnomAD compares: South Asian, 0.11%; 1 homozygote.

Submissions (7):

Fulgent Genetics
Classification: Uncertain significance for Bardet-Biedl syndrome 1. Last evaluated: 2024-03-19. Review status: criteria provided, single submitter. Criteria: ACMG Guidelines, 2015. Collection method: clinical testing. Allele origin: germline.

Blueprint Genetics
Classification: Uncertain significance. Last evaluated: 2023-10-27. Review status: criteria provided, single submitter. Criteria: ACMG Guidelines, 2015. Collection method: clinical testing. Allele origin: germline.

Labcorp Genetics (formerly Invitae), Labcorp
Classification: Uncertain significance for Bardet-Biedl syndrome. Last evaluated: 2022-09-13. Review status: criteria provided, single submitter. Criteria: Invitae Variant Classification Sherloc (09022015). Collection method: clinical testing. Allele origin: germline.
Comment: This sequence change replaces arginine, which is basic and polar, with tryptophan, which is neutral and slightly polar, at codon 383 of the BBS1 protein (p.Arg383Trp). This variant is present in population databases (rs143495423, gnomAD 0.1%). This variant has not been reported in the literature in individuals affected with BBS1-related conditions. ClinVar contains an entry for this variant (Variation ID: 387598). Advanced modeling of protein sequence and biophysical properties (such as structural, functional, and spatial information, amino acid conservation, physicochemical variation, residue mobility, and thermodynamic stability) performed at Invitae indicates that this missense variant is expected to disrupt BBS1 protein function. Algorithms developed to predict the effect of sequence changes on RNA splicing suggest that this variant may create or strengthen a splice site. In summary, the available evidence is currently insufficient to determine the role of this variant in disease. Therefore, it has been classified as a Variant of Uncertain Significance.

Genetics and Genomic Medicine Centre, NeuroGen Healthcare, NeuroGen Healthcare
Classification: Likely pathogenic for Bardet-Biedl syndrome 1. Last evaluated: 2020-03-05. Review status: criteria provided, single submitter. Criteria: Submitter's publication. Collection method: clinical testing. Allele origin: unknown. Affected: no.

GeneDx
Classification: Uncertain significance. Last evaluated: 2016-07-19. Review status: criteria provided, single submitter. Criteria: GeneDx Variant Classification (06012015). Collection method: clinical testing. Allele origin: germline. Affected: yes.
Comment: The R383W variant in the BBS1 gene has not been reported previously as a pathogenic variant, nor as a benign variant, to our knowledge. The R383W variant was not observed in approximately 6,500 individuals of European and African American ancestry in the NHLBI Exome Sequencing Project, indicating it is not a common benign variant in these populations. The R383W variant is a non-conservative amino acid substitution, which is likely to impact secondary protein structure as these residues differ in polarity, charge, size and/or other properties. This substitution occurs at a position that is conserved across species, and in silico analysis predicts this variant is probably damaging to the protein structure/function. We interpret R383W as a variant of uncertain significance.

PreventionGenetics, part of Exact Sciences
Classification: Uncertain significance for BBS1-related condition. Last evaluated: 2024-05-31. Review status: no assertion criteria provided. Collection method: clinical testing. Allele origin: germline. Not counted in ClinVar's aggregate classification.
Comment: The BBS1 c.1147C>T variant is predicted to result in the amino acid substitution p.Arg383Trp. To our knowledge, this variant has not been reported in the literature. This variant is reported in 0.095% of alleles in individuals of South Asian descent in gnomAD. Although we suspect that this variant may be benign, at this time, the clinical significance of this variant is uncertain due to the absence of conclusive functional and genetic evidence.

Natera, Inc.
Classification: Uncertain significance for Bardet-Biedl syndrome type 1. Last evaluated: 2020-04-14. Review status: no assertion criteria provided. Collection method: clinical testing. Allele origin: germline. Not counted in ClinVar's aggregate classification.